The following is an entry in ClinVar:

NM_002185.5(IL7R):c.1139C>G (p.Pro380Arg)

Gene: IL7R (interleukin 7 receptor; plus strand). Cytogenetic location: 5p13.2.
Variant type: single nucleotide variant.
Coding change: c.1139C>G on transcript NM_002185.5 (MANE Select); coding-DNA position 1139, C replaced by G.
Protein change: p.Pro380Arg; replaces proline 380 with arginine.
Molecular consequence: missense variant. On other transcripts: non-coding transcript variant (1).
Genome position (GRCh38, 1-based): chr5:35,876,245, C>G. VCF-style: chr5-35876245-C-G. GRCh37 (hg19) VCF-style: chr5-35876347-C-G.
Other names: short protein forms P380R.
Identifiers: ClinVar variation 1051464 (VCV001051464.6), dbSNP rs780521625, ClinGen allele CA3232207.

ClinVar aggregate classification (germline): Uncertain significance (1 of 4 stars; one submission).

Conditions:
Immunodeficiency 104. Also called: SCID, AUTOSOMAL RECESSIVE, T CELL-NEGATIVE, B CELL-POSITIVE, NK CELL-POSITIVE; IMMUNODEFICIENCY 104, SEVERE COMBINED; Severe combined immunodeficiency, autosomal recessive, T cell-negative, B cell-positive, NK cell-positive; Severe Combined Immune Deficiency, Autosomal Recessive, TCell -Negative, B Cell-Positive, NK Cell-Positive, IL7R-Related. Identifiers: MedGen C5676890, MONDO:0012163, OMIM 608971.

Allele frequency attached by ClinVar (database versions not stated): gnomAD 0.00001; TOPMed 0.00001; gnomAD exomes 0.00002 and 0.00004; ExAC 0.00007.
gnomAD v4.1: 33 of 1,614,008 alleles (0.002%); highest among the groups gnomAD compares: East Asian, 0.0067%; no homozygotes.

Submission:

Labcorp Genetics (formerly Invitae), Labcorp
Classification: Uncertain significance for Immunodeficiency 104. Last evaluated: 2022-05-28. Review status: criteria provided, single submitter. Criteria: Invitae Variant Classification Sherloc (09022015). Collection method: clinical testing. Allele origin: germline.
Comment: This sequence change replaces proline, which is neutral and non-polar, with arginine, which is basic and polar, at codon 380 of the IL7R protein (p.Pro380Arg). This variant is present in population databases (rs780521625, gnomAD 0.02%). This variant has not been reported in the literature in individuals affected with IL7R-related conditions. ClinVar contains an entry for this variant (Variation ID: 1051464). Advanced modeling of protein sequence and biophysical properties (such as structural, functional, and spatial information, amino acid conservation, physicochemical variation, residue mobility, and thermodynamic stability) performed at Invitae indicates that this missense variant is not expected to disrupt IL7R protein function. In summary, the available evidence is currently insufficient to determine the role of this variant in disease. Therefore, it has been classified as a Variant of Uncertain Significance.